The following is an entry in ClinVar:

NM_000342.4(SLC4A1):c.1284A>G (p.Gly428=)

Gene: SLC4A1 (solute carrier family 4 member 1 (Diego blood group); minus strand). Cytogenetic location: 17q21.31.
Variant type: single nucleotide variant.
Coding change: c.1284A>G on transcript NM_000342.4 (MANE Select); coding-DNA position 1284, A replaced by G.
Protein change: p.Gly428=; no amino-acid change (glycine 428 retained).
Molecular consequence: synonymous variant.
Genome position (GRCh38, 1-based): chr17:44,257,806, T>C on the plus strand (A>G on the coding strand, the complement: SLC4A1 is on the minus strand). VCF-style: chr17-44257806-T-C. GRCh37 (hg19) VCF-style: chr17-42335174-T-C.
Identifiers: ClinVar variation 64420 (VCV000064420.6), dbSNP rs387907516, ClinGen allele CA216102.

ClinVar aggregate classification (germline): Likely benign. Review status: criteria provided, single submitter (1 of 4 stars). 2 submissions from 2 submitters: Likely benign (1). 1 of the submissions does not count toward it. Last evaluated 2022-05-27.

Allele frequency attached by ClinVar (database versions not stated): gnomAD exomes 0.00001; TOPMed 0.00003; ExAC 0.00002; gnomAD 0.00002.

Submissions (2):

Labcorp Genetics (formerly Invitae), Labcorp
Classification: Likely benign. Last evaluated: 2022-05-27. Review status: criteria provided, single submitter. Criteria: Invitae Variant Classification Sherloc (09022015). Collection method: clinical testing. Allele origin: germline.

Martin Pollak Laboratory,  Beth Israel Deaconess Medical Center
Classification: Uncertain significance. Review status: no assertion criteria provided. Collection method: not provided. Allele origin: unknown. Not counted in ClinVar's aggregate classification.
Comment: Lower UCa2+ group
ClinVar note: Converted during submission from unknown to Uncertain significance.